The following is an entry in ClinVar:

ClinVar aggregate classification (germline): Uncertain significance (1 of 4 stars; one submission).

Submission:

Labcorp Genetics (formerly Invitae), Labcorp
Classification: Uncertain significance. Last evaluated: 2022-11-22. Review status: criteria provided, single submitter. Criteria: Invitae Variant Classification Sherloc (09022015). Collection method: clinical testing. Allele origin: germline.
Comment: In summary, the available evidence is currently insufficient to determine the role of this variant in disease. Therefore, it has been classified as a Variant of Uncertain Significance. Variants that disrupt the consensus splice site are a relatively common cause of aberrant splicing (PMID: 17576681, 9536098). Algorithms developed to predict the effect of sequence changes on RNA splicing suggest that this variant may disrupt the consensus splice site. ClinVar contains an entry for this variant (Variation ID: 1473912). This variant has not been reported in the literature in individuals affected with SZT2-related conditions. This variant is not present in population databases (gnomAD no frequency). This sequence change falls in intron 54 of the SZT2 gene. It does not directly change the encoded amino acid sequence of the SZT2 protein. It affects a nucleotide within the consensus splice site.

Literature cited by the submitters: PubMed 17576681; PubMed 9536098.

NM_001365999.1(SZT2):c.7742+3G>T

Gene: SZT2 (SZT2 subunit of KICSTOR complex; plus strand). Cytogenetic location: 1p34.2.
Variant type: single nucleotide variant.
Coding change: c.7742+3G>T on transcript NM_001365999.1 (MANE Select); 3 bases into the intron after coding-DNA position 7742, G replaced by T.
Molecular consequence: intron variant.
Genome position (GRCh38, 1-based): chr1:43,441,821, G>T. VCF-style: chr1-43441821-G-T. GRCh37 (hg19) VCF-style: chr1-43907492-G-T.
Other names: c.7571+3G>T (NM_015284.4).
Identifiers: ClinVar variation 1473912 (VCV001473912.6), dbSNP rs2153935816, ClinGen allele CA2573132388.